The following is an entry in ClinVar:

NM_000540.3(RYR1):c.6736A>G (p.Asn2246Asp)

Gene: RYR1 (ryanodine receptor 1; plus strand). Cytogenetic location: 19q13.2.
Variant type: single nucleotide variant.
Coding change: c.6736A>G on transcript NM_000540.3 (MANE Select); coding-DNA position 6736, A replaced by G.
Protein change: p.Asn2246Asp; replaces asparagine 2246 with aspartic acid.
Molecular consequence: missense variant.
Genome position (GRCh38, 1-based): chr19:38,496,481, A>G. VCF-style: chr19-38496481-A-G. GRCh37 (hg19) VCF-style: chr19-38987121-A-G.
Other names: c.6736A>G, p.Asn2246Asp (NM_001042723.2); short protein forms N2246D.
Identifiers: ClinVar variation 3628859 (VCV003628859.2).

ClinVar aggregate classification (germline): Uncertain significance (1 of 4 stars; one submission).

Conditions:
RYR1-related disorder. Also called: RYR1-related condition; RYR1-related disorders. Identifiers: MedGen CN239331.

Submission:

Labcorp Genetics (formerly Invitae), Labcorp
Classification: Uncertain significance for RYR1-related disorder. Last evaluated: 2024-06-01. Review status: criteria provided, single submitter. Criteria: Invitae Variant Classification Sherloc (09022015). Collection method: clinical testing. Allele origin: germline.
Comment: This sequence change replaces asparagine, which is neutral and polar, with aspartic acid, which is acidic and polar, at codon 2246 of the RYR1 protein (p.Asn2246Asp). This variant is not present in population databases (gnomAD no frequency). This variant has not been reported in the literature in individuals affected with RYR1-related conditions. Advanced modeling of protein sequence and biophysical properties (such as structural, functional, and spatial information, amino acid conservation, physicochemical variation, residue mobility, and thermodynamic stability) performed at Invitae indicates that this missense variant is expected to disrupt RYR1 protein function with a positive predictive value of 95%. In summary, the available evidence is currently insufficient to determine the role of this variant in disease. Therefore, it has been classified as a Variant of Uncertain Significance.